The following is an entry in ClinVar:

NM_005391.5(PDK3):c.338T>C (p.Ile113Thr)

Gene: PDK3 (pyruvate dehydrogenase kinase 3; plus strand). Cytogenetic location: Xp22.11.
Variant type: single nucleotide variant.
Coding change: c.338T>C on transcript NM_005391.5 (MANE Select); coding-DNA position 338, T replaced by C.
Protein change: p.Ile113Thr; replaces isoleucine 113 with threonine.
Molecular consequence: missense variant.
Genome position (GRCh38, 1-based): chrX:24,503,344, T>C. VCF-style: chrX-24503344-T-C. GRCh37 (hg19) VCF-style: chrX-24521461-T-C.
Other names: c.338T>C (NM_001142386.2); c.338T>C, p.Ile113Thr (NM_001142386.3); short protein forms I113T.
Identifiers: ClinVar variation 1402804 (VCV001402804.9), dbSNP rs1569223291, ClinGen allele CA412605141.
Genomic context (GRCh38, chrX:24,503,344, plus strand): 5'-TGAGATATTAAGACTGACCACGTTTTGTTTCCCTCTCACACAGCTTTCTACAAGTTCTGA[T>C]TAAAGTCAGAAATAGACACAATGATGTGGTTCCTACAATGGCACAAGGAGTGATTGAATA-3'
Protein context (NP_005382.1, residues 103-123): QVLDNFLQVL[Ile113Thr]KVRNRHNDVV

ClinVar aggregate classification (germline): Uncertain significance. Review status: criteria provided, multiple submitters, no conflicts (2 of 4 stars). 3 submissions from 3 submitters: Uncertain significance (3). Last evaluated 2023-02-24.

Conditions:
Charcot-Marie-Tooth disease X-linked dominant 6. Also called: CHARCOT-MARIE-TOOTH NEUROPATHY, X-LINKED DOMINANT, 6. Identifiers: Orphanet 352675, MedGen C3806702, MONDO:0010479, OMIM 300905.

Allele frequency attached by ClinVar (database versions not stated): gnomAD exomes below 0.00001 and 0.00001; TOPMed below 0.00001.
gnomAD v4.1: 5 of 1,202,128 alleles (0.00042%); highest among the groups gnomAD compares: Non-Finnish European, 0.00056%; no homozygotes.

Submissions (3):

GeneDx
Classification: Uncertain significance. Last evaluated: 2023-02-24. Review status: criteria provided, single submitter. Criteria: GeneDx Variant Classification Process June 2021. Collection method: clinical testing. Allele origin: germline. Affected: yes.
Comment: Not observed at significant frequency in large population cohorts (gnomAD); In silico analysis supports that this missense variant does not alter protein structure/function; Has not been previously published as pathogenic or benign to our knowledge

Labcorp Genetics (formerly Invitae), Labcorp
Classification: Uncertain significance for Charcot-Marie-Tooth disease X-linked dominant 6. Last evaluated: 2021-06-26. Review status: criteria provided, single submitter. Criteria: Invitae Variant Classification Sherloc (09022015). Collection method: clinical testing. Allele origin: germline.
Comment: In summary, the available evidence is currently insufficient to determine the role of this variant in disease. Therefore, it has been classified as a Variant of Uncertain Significance. Algorithms developed to predict the effect of missense changes on protein structure and function (SIFT, PolyPhen-2, Align-GVGD) all suggest that this variant is likely to be tolerated. This variant has not been reported in the literature in individuals affected with PDK3-related conditions. This variant is not present in population databases (ExAC no frequency). This sequence change replaces isoleucine with threonine at codon 113 of the PDK3 protein (p.Ile113Thr). The isoleucine residue is moderately conserved and there is a moderate physicochemical difference between isoleucine and threonine.

Blueprint Genetics
Classification: Uncertain significance. Last evaluated: 2020-12-11. Review status: criteria provided, single submitter. Criteria: ACMG Guidelines, 2015. Collection method: clinical testing. Allele origin: germline.